The following is an entry in ClinVar:

ClinVar aggregate classification (germline): Pathogenic/Likely pathogenic. Review status: criteria provided, multiple submitters, no conflicts (2 of 4 stars). 2 submissions from 2 submitters: Pathogenic (1); Likely pathogenic (1). Last evaluated 2026-06-23.

Conditions:
Hypochondroplasia (HCH). Identifiers: Orphanet 429, MedGen C0410529, MONDO:0007793, OMIM 146000. Disease mechanism: gain of function.

Submissions (2):

Genomenon, Inc
Classification: Likely pathogenic for Hypochondroplasia. Last evaluated: 2026-06-23. Review status: criteria provided, single submitter. Criteria: Genomenon Sequence Variant Interpretation Standards - Updated. Collection method: curation. Allele origin: germline. Affected: yes.
Comment: FGFR3 p.Leu324Val (c.970C>G) is a missense variant that changes the amino acid at codon 324 from Leucine to Valine. This variant has been observed in at least one proband with hypochondroplasia (PMID:22302603). A de novo occurrence of this variant has been observed in at least one affected individual (PMID:22302603). It is absent or not present at a significant frequency in gnomAD. In silico models predict that this variant is possibly or probably damaging. In conclusion, we classify FGFR3 p.Leu324Val (c.970C>G) as a likely pathogenic variant.

Labcorp Genetics (formerly Invitae), Labcorp
Classification: Pathogenic. Last evaluated: 2025-12-08. Review status: criteria provided, single submitter. Criteria: Invitae Variant Classification Sherloc (09022015). Collection method: clinical testing. Allele origin: germline.
Comment: This sequence change replaces leucine, which is neutral and non-polar, with valine, which is neutral and non-polar, at codon 324 of the FGFR3 protein (p.Leu324Val). This variant is not present in population databases (gnomAD no frequency). This missense change has been observed in individual(s) with hypochondroplasia and/or skeletal dysplasia (PMID: 22302603, 38702915; internal data). In at least one individual the variant was observed to be de novo. ClinVar contains an entry for this variant (Variation ID: 1680048). Invitae Evidence Modeling of protein sequence and biophysical properties (such as structural, functional, and spatial information, amino acid conservation, physicochemical variation, residue mobility, and thermodynamic stability) has been performed for this missense variant. However, the output from this modeling did not meet the statistical confidence thresholds required to predict the impact of this variant on FGFR3 protein function. This variant disrupts the p.Leu324 amino acid residue in FGFR3. Other variant(s) that disrupt this residue have been determined to be pathogenic (PMID: 27507911). This suggests that this residue is clinically significant, and that variants that disrupt this residue are likely to be disease-causing. For these reasons, this variant has been classified as Pathogenic.

Literature cited by the submitters: PubMed 22302603 (cited by Genomenon, Inc and Labcorp Genetics (formerly Invitae), Labcorp); PubMed 33051983 (cited by Genomenon, Inc); PubMed 30681580 (cited by Genomenon, Inc); PubMed 29736252 (cited by Genomenon, Inc); PubMed 24411048 (cited by Genomenon, Inc); PubMed 26867606 (cited by Genomenon, Inc); PubMed 38702915 (cited by Labcorp Genetics (formerly Invitae), Labcorp); PubMed 27507911 (cited by Labcorp Genetics (formerly Invitae), Labcorp).

NM_000142.5(FGFR3):c.970C>G (p.Leu324Val)

Gene: FGFR3 (fibroblast growth factor receptor 3; plus strand). Cytogenetic location: 4p16.3.
Variant type: single nucleotide variant.
Coding change: c.970C>G on transcript NM_000142.5 (MANE Select); coding-DNA position 970, C replaced by G.
Protein change: p.Leu324Val; replaces leucine 324 with valine.
Molecular consequence: missense variant. On other transcripts: non-coding transcript variant (1), intron variant (2).
Genome position (GRCh38, 1-based): chr4:1,803,731, C>G. VCF-style: chr4-1803731-C-G. GRCh37 (hg19) VCF-style: chr4-1805458-C-G.
Other names: c.970C>G, p.Leu324Val (NM_001354809.2, NM_001354810.2); c.1082-599C>G (NM_001163213.2); c.931-1093C>G (NM_022965.4); short protein forms L324V.
Identifiers: ClinVar variation 1680048 (VCV001680048.9), dbSNP rs587778816, ClinGen allele CA345255.